The following is an entry in ClinVar:

ClinVar aggregate classification (germline): Uncertain significance (1 of 4 stars; one submission).

Submission:

GeneDx
Classification: Uncertain significance. Last evaluated: 2024-02-02. Review status: criteria provided, single submitter. Criteria: GeneDx Variant Classification Process June 2021. Collection method: clinical testing. Allele origin: germline. Affected: yes.
Comment: Not observed at significant frequency in large population cohorts (gnomAD); In silico analysis supports that this missense variant does not alter protein structure/function; Has not been previously published as pathogenic or benign to our knowledge

NM_001170629.2(CHD8):c.4180T>A (p.Leu1394Met)

Gene: CHD8 (chromodomain helicase DNA binding protein 8; minus strand). Cytogenetic location: 14q11.2.
Variant type: single nucleotide variant.
Coding change: c.4180T>A on transcript NM_001170629.2 (MANE Select); coding-DNA position 4180, T replaced by A.
Protein change: p.Leu1394Met; replaces leucine 1394 with methionine.
Molecular consequence: missense variant.
Genome position (GRCh38, 1-based): chr14:21,401,065, A>T on the plus strand (T>A on the coding strand, the complement: CHD8 is on the minus strand). VCF-style: chr14-21401065-A-T. GRCh37 (hg19) VCF-style: chr14-21869224-A-T.
Other names: c.3343T>A, p.Leu1115Met (NM_020920.4); short protein forms L1115M, L1394M.
Identifiers: ClinVar variation 3368515 (VCV003368515.1).